The following is an entry in ClinVar:

ClinVar aggregate classification (germline): Pathogenic (1 of 4 stars; one submission).

Conditions:
Fanconi anemia (FA). Also called: Fanconi's anemia. Identifiers: Orphanet 84, MedGen C0015625, MeSH D005199, MONDO:0019391.

Allele frequency attached by ClinVar (database versions not stated): gnomAD exomes below 0.00001.
gnomAD v4.1: 3 of 1,614,166 alleles (0.00019%); highest among the groups gnomAD compares: Non-Finnish European, 0.00025%; no homozygotes.

Submission:

Labcorp Genetics (formerly Invitae), Labcorp
Classification: Pathogenic for Fanconi anemia. Last evaluated: 2025-04-17. Review status: criteria provided, single submitter. Criteria: Invitae Variant Classification Sherloc (09022015). Collection method: clinical testing. Allele origin: germline.
Comment: This sequence change creates a premature translational stop signal (p.Gln529*) in the FANCG gene. It is expected to result in an absent or disrupted protein product. Loss-of-function variants in FANCG are known to be pathogenic (PMID: 12552564). This variant is present in population databases (no rsID available, gnomAD 0.0009%). This variant has not been reported in the literature in individuals affected with FANCG-related conditions. ClinVar contains an entry for this variant (Variation ID: 1418010). Algorithms developed to predict the effect of sequence changes on RNA splicing suggest that this variant may disrupt the consensus splice site. For these reasons, this variant has been classified as Pathogenic.

Literature cited by the submitters: PubMed 12552564.

NM_004629.2(FANCG):c.1585C>T (p.Gln529Ter)

Gene: FANCG (FA complementation group G; minus strand). Cytogenetic location: 9p13.3.
Variant type: single nucleotide variant.
Coding change: c.1585C>T on transcript NM_004629.2 (MANE Select); coding-DNA position 1585, C replaced by T.
Protein change: p.Gln529Ter; replaces glutamine 529 with a stop codon.
Molecular consequence: nonsense.
Genome position (GRCh38, 1-based): chr9:35,074,978, G>A on the plus strand (C>T on the coding strand, the complement: FANCG is on the minus strand). VCF-style: chr9-35074978-G-A. GRCh37 (hg19) VCF-style: chr9-35074975-G-A.
Other names: short protein forms Q529*.
Identifiers: ClinVar variation 1418010 (VCV001418010.6), dbSNP rs1157985962, ClinGen allele CA373303866.